The following is an entry in ClinVar:

NM_000124.4(ERCC6):c.3148G>A (p.Val1050Ile)

Gene: ERCC6 (ERCC excision repair 6, chromatin remodeling factor; minus strand). Cytogenetic location: 10q11.23.
Variant type: single nucleotide variant.
Coding change: c.3148G>A on transcript NM_000124.4 (MANE Select); coding-DNA position 3148, G replaced by A.
Protein change: p.Val1050Ile; replaces valine 1050 with isoleucine.
Molecular consequence: missense variant.
Genome position (GRCh38, 1-based): chr10:49,470,812, C>T on the plus strand (G>A on the coding strand, the complement: ERCC6 is on the minus strand). VCF-style: chr10-49470812-C-T. GRCh37 (hg19) VCF-style: chr10-50678858-C-T.
Other names: c.3148G>A, p.Val1050Ile (NM_001346440.2); short protein forms V1050I.
Identifiers: ClinVar variation 1519648 (VCV001519648.5), dbSNP rs139932923, ClinGen allele CA5495400.

ClinVar aggregate classification (germline): Uncertain significance (1 of 4 stars; one submission).

Allele frequency attached by ClinVar (database versions not stated): gnomAD exomes 0.00001; ExAC 0.00002; gnomAD 0.00003 and 0.00004; TOPMed 0.00003.
gnomAD v4.1: 8 of 1,614,028 alleles (0.0005%); highest among the groups gnomAD compares: African/African-American, 0.011%; no homozygotes.

Submission:

Labcorp Genetics (formerly Invitae), Labcorp
Classification: Uncertain significance. Last evaluated: 2021-12-07. Review status: criteria provided, single submitter. Criteria: Invitae Variant Classification Sherloc (09022015). Collection method: clinical testing. Allele origin: germline.
Comment: This sequence change replaces valine, which is neutral and non-polar, with isoleucine, which is neutral and non-polar, at codon 1050 of the ERCC6 protein (p.Val1050Ile). This variant is present in population databases (rs139932923, gnomAD 0.008%). This variant has not been reported in the literature in individuals affected with ERCC6-related conditions. Algorithms developed to predict the effect of missense changes on protein structure and function output the following: SIFT: "Tolerated"; PolyPhen-2: "Benign"; Align-GVGD: "Class C0". The isoleucine amino acid residue is found in multiple mammalian species, which suggests that this missense change does not adversely affect protein function. In summary, the available evidence is currently insufficient to determine the role of this variant in disease. Therefore, it has been classified as a Variant of Uncertain Significance.